The following is an entry in ClinVar:

ClinVar aggregate classification (germline): Uncertain significance (1 of 4 stars; one submission).

Conditions:
Nephrolithiasis/nephrocalcinosis. Identifiers: MedGen CN580796.

Submission:

Ambry Genetics
Classification: Uncertain significance for Nephrolithiasis/nephrocalcinosis. Last evaluated: 2022-04-24. Review status: criteria provided, single submitter. Criteria: Ambry Variant Classification Scheme 2023. Collection method: clinical testing. Allele origin: germline.
Comment: The p.G325R variant (also known as c.973G>A), located in coding exon 3 of the CASR gene, results from a G to A substitution at nucleotide position 973. The glycine at codon 325 is replaced by arginine, an amino acid with dissimilar properties. This amino acid position is conserved. In addition, this alteration is predicted to be deleterious by in silico analysis. Since supporting evidence is limited at this time, the clinical significance of this alteration remains unclear.

NM_000388.4(CASR):c.973G>A (p.Gly325Arg)

Gene: CASR (calcium sensing receptor; plus strand). Cytogenetic location: 3q21.1.
Variant type: single nucleotide variant.
Coding change: c.973G>A on transcript NM_000388.4 (MANE Select); coding-DNA position 973, G replaced by A.
Protein change: p.Gly325Arg; replaces glycine 325 with arginine.
Molecular consequence: missense variant.
Genome position (GRCh38, 1-based): chr3:122,262,008, G>A. VCF-style: chr3-122262008-G-A. GRCh37 (hg19) VCF-style: chr3-121980855-G-A.
Other names: c.973G>A, p.Gly325Arg (NM_001178065.2); short protein forms G325R.
Identifiers: ClinVar variation 1768051 (VCV001768051.2), dbSNP rs778100486, ClinGen allele CA354151874.